The following is an entry in ClinVar:

ClinVar aggregate classification (germline): Uncertain significance. Review status: criteria provided, multiple submitters, no conflicts (2 of 4 stars). 2 submissions from 2 submitters: Uncertain significance (2). Last evaluated 2025-12-01.

Allele frequency attached by ClinVar (database versions not stated): TOPMed 0.00002; ExAC 0.00008.
gnomAD v4.1: 10 of 1,612,536 alleles (0.00062%); highest among the groups gnomAD compares: East Asian, 0.022%; no homozygotes.

Submissions (2):

Labcorp Genetics (formerly Invitae), Labcorp
Classification: Uncertain significance. Last evaluated: 2025-12-01. Review status: criteria provided, single submitter. Criteria: Invitae Variant Classification Sherloc (09022015). Collection method: clinical testing. Allele origin: germline.
Comment: This sequence change replaces proline, which is neutral and non-polar, with alanine, which is neutral and non-polar, at codon 371 of the LRRC56 protein (p.Pro371Ala). This variant is present in population databases (rs771945916, gnomAD 0.07%). This variant has not been reported in the literature in individuals affected with LRRC56-related conditions. ClinVar contains an entry for this variant (Variation ID: 2553992). Invitae Evidence Modeling of protein sequence and biophysical properties (such as structural, functional, and spatial information, amino acid conservation, physicochemical variation, residue mobility, and thermodynamic stability) has been performed for this missense variant. However, the output from this modeling did not meet the statistical confidence thresholds required to predict the impact of this variant on LRRC56 protein function. In summary, the available evidence is currently insufficient to determine the role of this variant in disease. Therefore, it has been classified as a Variant of Uncertain Significance.

Ambry Genetics
Classification: Uncertain significance. Last evaluated: 2023-05-31. Review status: criteria provided, single submitter. Criteria: Ambry Variant Classification Scheme 2023. Collection method: clinical testing. Allele origin: germline.

NM_198075.4(LRRC56):c.1111C>G (p.Pro371Ala)

Gene: LRRC56 (leucine rich repeat containing 56; plus strand). Cytogenetic location: 11p15.5.
Variant type: single nucleotide variant.
Coding change: c.1111C>G on transcript NM_198075.4 (MANE Select); coding-DNA position 1111, C replaced by G.
Protein change: p.Pro371Ala; replaces proline 371 with alanine.
Molecular consequence: missense variant.
Genome position (GRCh38, 1-based): chr11:552,162, C>G. VCF-style: chr11-552162-C-G. GRCh37 (hg19) VCF-style: chr11-552162-C-G.
Other names: short protein forms P371A.
Identifiers: ClinVar variation 2553992 (VCV002553992.3), dbSNP rs771945916, ClinGen allele CA5779962.